The following is an entry in ClinVar:

NM_001040108.2(MLH3):c.460C>T (p.Gln154Ter)

Gene: MLH3 (mutL homolog 3; minus strand). Cytogenetic location: 14q24.3.
Variant type: single nucleotide variant.
Coding change: c.460C>T on transcript NM_001040108.2 (MANE Select); coding-DNA position 460, C replaced by T.
Protein change: p.Gln154Ter; replaces glutamine 154 with a stop codon.
Molecular consequence: nonsense.
Genome position (GRCh38, 1-based): chr14:75,049,196, G>A on the plus strand (C>T on the coding strand, the complement: MLH3 is on the minus strand). VCF-style: chr14-75049196-G-A. GRCh37 (hg19) VCF-style: chr14-75515899-G-A.
Other names: c.460C>T, p.Gln154Ter (NM_014381.3); short protein forms Q154*.
Identifiers: ClinVar variation 3396756 (VCV003396756.2).

ClinVar aggregate classification (germline): Pathogenic (1 of 4 stars; one submission).

Submission:

Ambry Genetics
Classification: Pathogenic. Last evaluated: 2026-05-29. Review status: criteria provided, single submitter. Criteria: Ambry Variant Classification Scheme 2023. Collection method: clinical testing. Allele origin: germline.
Comment: The p.Q154* pathogenic mutation (also known as c.460C>T), located in coding exon 1 of the MLH3 gene, results from a C to T substitution at nucleotide position 460. This changes the amino acid from a glutamine to a stop codon within coding exon 1. This variant is considered to be rare based on population cohorts in the Genome Aggregation Database (gnomAD). This alteration is expected to result in loss of function by premature protein truncation or nonsense-mediated mRNA decay. As such, this alteration is interpreted as a disease-causing mutation.